The following is an entry in ClinVar:

ClinVar aggregate classification (germline): Pathogenic/Likely pathogenic. Review status: criteria provided, multiple submitters, no conflicts (2 of 4 stars). 3 submissions from 3 submitters: Pathogenic (1); Likely pathogenic (2). Last evaluated 2024-07-11.

Conditions:
Familial aortopathy. Identifiers: MedGen CN078214.
Arterial tortuosity syndrome (ATORS). Identifiers: Orphanet 3342, MedGen C1859726, MONDO:0008818, OMIM 208050.

Allele frequency attached by ClinVar (database versions not stated): ExAC 0.00001; gnomAD 0.00001; gnomAD exomes 0.00001; TOPMed 0.00001.
gnomAD v4.1: 5 of 1,613,854 alleles (0.00031%); highest among the groups gnomAD compares: Admixed American, 0.0083%; no homozygotes.

Submissions (3):

Women's Health and Genetics/Laboratory Corporation of America, LabCorp
Classification: Likely pathogenic for Familial aortopathy. Last evaluated: 2024-07-11. Review status: criteria provided, single submitter. Criteria: LabCorp Variant Classification Summary - May 2015. Collection method: clinical testing. Allele origin: germline.
Comment: Variant summary: SLC2A10 c.899T>G (p.Leu300Trp) results in a non-conservative amino acid change located in the Major facilitator superfamily domain (IPR020846) of the encoded protein sequence. Five of five in-silico tools predict a damaging effect of the variant on protein function. The variant allele was found at a frequency of 1.2e-05 in 251116 control chromosomes. c.899T>G has been reported in the literature as homozygous or compound heterozygous genotype in individuals affected with clinical features of Arterial Tortuosity Syndrome (Beyens_2018, Esmel-Vilomara_2023). These data indicate that the variant is likely to be associated with disease. To our knowledge, no experimental evidence demonstrating an impact on protein function has been reported. The following publications have been ascertained in the context of this evaluation (PMID: 29323665, 37619836). ClinVar contains an entry for this variant (Variation ID: 2501291). Based on the evidence outlined above, the variant was classified as likely pathogenic.

Labcorp Genetics (formerly Invitae), Labcorp
Classification: Pathogenic for Arterial tortuosity syndrome. Last evaluated: 2024-03-26. Review status: criteria provided, single submitter. Criteria: Invitae Variant Classification Sherloc (09022015). Collection method: clinical testing. Allele origin: germline.
Comment: This sequence change replaces leucine, which is neutral and non-polar, with tryptophan, which is neutral and slightly polar, at codon 300 of the SLC2A10 protein (p.Leu300Trp). This variant is present in population databases (rs771702107, gnomAD 0.009%). This missense change has been observed in individual(s) with arterial tortuosity syndrome (PMID: 29323665; Invitae). ClinVar contains an entry for this variant (Variation ID: 2501291). Advanced modeling of protein sequence and biophysical properties (such as structural, functional, and spatial information, amino acid conservation, physicochemical variation, residue mobility, and thermodynamic stability) performed at Invitae indicates that this missense variant is expected to disrupt SLC2A10 protein function with a positive predictive value of 95%. For these reasons, this variant has been classified as Pathogenic.

Genetics Department, Hospital De La Santa Creu I Sant Pau
Classification: Likely pathogenic for Arterial tortuosity syndrome. Last evaluated: 2023-04-14. Review status: criteria provided, single submitter. Criteria: ACMG Guidelines, 2015. Collection method: clinical testing. Allele origin: paternal. Affected: yes.
Comment: Identified in trans with an already known likely pathogenic variant (NM_030777.4:c.417T>A, ClinVar variation entry 161095). NM_030777.4:c.899T>G classified as likely pathogenic with ACMG/AMP evidences PM2-Moderate, PP3-Moderate, PM3-Moderate,PP4-Supporting.

Literature cited by the submitters: PubMed 29323665 (cited by Women's Health and Genetics/Laboratory Corporation of America, LabCorp and Labcorp Genetics (formerly Invitae), Labcorp); PubMed 37619836 (cited by Women's Health and Genetics/Laboratory Corporation of America, LabCorp).

NM_030777.4(SLC2A10):c.899T>G (p.Leu300Trp)

Gene: SLC2A10 (solute carrier family 2 member 10; plus strand). Cytogenetic location: 20q13.12.
Variant type: single nucleotide variant.
Coding change: c.899T>G on transcript NM_030777.4 (MANE Select); coding-DNA position 899, T replaced by G.
Protein change: p.Leu300Trp; replaces leucine 300 with tryptophan.
Molecular consequence: missense variant.
Genome position (GRCh38, 1-based): chr20:46,725,935, T>G. VCF-style: chr20-46725935-T-G. GRCh37 (hg19) VCF-style: chr20-45354574-T-G.
Other names: short protein forms L300W.
Identifiers: ClinVar variation 2501291 (VCV002501291.4), dbSNP rs771702107, ClinGen allele CA9892065.